The following is an entry in ClinVar:

ClinVar aggregate classification (germline): Pathogenic/Likely pathogenic. Review status: criteria provided, multiple submitters, no conflicts (2 of 4 stars). 2 submissions from 2 submitters: Pathogenic (1); Likely pathogenic (1). Last evaluated 2026-08-19.

Conditions:
COL3A1-related disorder. Also called: COL3A1-related condition.

Submissions (2):

PreventionGenetics, part of Exact Sciences
Classification: Likely pathogenic for COL3A1-related condition. Last evaluated: 2026-08-19. Review status: criteria provided, single submitter. Criteria: ACMG Guidelines, 2015. Collection method: clinical testing. Allele origin: germline.
Comment: The COL3A1 c.1859dupC variant is predicted to result in a frameshift and premature protein termination (p.Gly621Argfs*8). This variant was reported in an individual with Ehlers-Danlos syndrome IV (vascular type) (Kaadan et al. 2018. PubMed ID: 29650765) and in an individual with spontaneous coronary artery dissection (Zekavat et al. 2022. PubMed ID: 35234813). This variant has not been reported in a large population database (gnomAD), indicating this variant is rare. Frameshift variants in COL3A1 are expected to be pathogenic. This variant is interpreted as likely pathogenic.

GeneDx
Classification: Pathogenic. Last evaluated: 2018-09-11. Review status: criteria provided, single submitter. Criteria: GeneDx Variant Classification (06012015). Collection method: clinical testing. Allele origin: germline. Affected: yes.
Comment: The c.1859dupC pathogenic variant is predicted to cause loss of normal protein function either by protein truncation or nonsense-mediated mRNA decay. Other frameshift variants in the COL3A1 gene have been reported in Human Gene Mutation Database in association with vEDS (Stenson et al., 2014), indicating that loss of function is a mechanism of disease for this gene. Furthermore, the c.1859dupC variant has not been been observed in large population cohorts (Lek et al., 2016).

NM_000090.4(COL3A1):c.1859dup (p.Gly621fs)

Gene: COL3A1 (collagen type III alpha 1 chain; plus strand). Cytogenetic location: 2q32.2.
Variant type: Duplication.
Coding change: c.1859dup on transcript NM_000090.4 (MANE Select); coding-DNA position 1859, one base duplicated (C; older notation c.1859dupC).
Protein change: p.Gly621fs; shifts the reading frame from glycine 621.
Molecular consequence: frameshift variant.
Genome position (GRCh38, 1-based): chr2:188,997,379, C duplicated; the last of 5 consecutive C bases (chr2:188,997,375-188,997,379); duplicating any one gives the same sequence. VCF-style (leftmost placement, unchanged base first): chr2-188997374-A-AC. GRCh37 (hg19) VCF-style: chr2-189862100-A-AC.
Other names: short protein forms G621fs.
Identifiers: ClinVar variation 817234 (VCV000817234.2), dbSNP rs1576467144, ClinGen allele CA915942283.
Genomic context (GRCh38, chr2:188,997,374, plus strand): 5'-CCCTAACTGTTCTTGTTTTTAGGGTCCTCCTGGAAAGAATGGTGAAACTGGACCTCAGGG[A>AC]CCCCCAGGGCCTACTGTAAGTTCACTCATATAAAATTGGAGATGAAAATAGGGTGGAGGT-3'